The following is an entry in ClinVar:

NM_005629.4(SLC6A8):c.1310A>C (p.Tyr437Ser)

Gene: SLC6A8 (solute carrier family 6 member 8; plus strand). Cytogenetic location: Xq28.
Variant type: single nucleotide variant.
Coding change: c.1310A>C on transcript NM_005629.4 (MANE Select); coding-DNA position 1310, A replaced by C.
Protein change: p.Tyr437Ser; replaces tyrosine 437 with serine.
Molecular consequence: missense variant.
Genome position (GRCh38, 1-based): chrX:153,694,185, A>C. VCF-style: chrX-153694185-A-C. GRCh37 (hg19) VCF-style: chrX-152959640-A-C.
Other names: c.1280A>C, p.Tyr427Ser (NM_001142805.2); c.965A>C, p.Tyr322Ser (NM_001142806.1); short protein forms Y322S, Y427S, Y437S.
Identifiers: ClinVar variation 1019208 (VCV001019208.9), dbSNP rs1557045400, ClinGen allele CA415086780.

ClinVar aggregate classification (germline): Uncertain significance. Review status: criteria provided, single submitter (1 of 4 stars). 2 submissions from 2 submitters: Uncertain significance (1). 1 of the submissions does not count toward it. Last evaluated 2026-01-05.

Conditions:
Creatine deficiency syndrome 1.
Creatine transporter deficiency (CCDS1). Also called: CEREBRAL CREATINE DEFICIENCY SYNDROME 1; Mental retardation , X-linked with seizures, short stature and midface hypoplasia; Mental retardation , X-linked, with creatine transport deficiency; X-linked creatine transporter deficiency; X-linked creatine deficiency syndrome; SLC6A8-Related Creatine Transporter Deficiency. Identifiers: Orphanet 52503, MedGen C1845862, MONDO:0010305, OMIM 300352.

Allele frequency attached by ClinVar (database versions not stated): gnomAD 0.00001; TOPMed 0.00002.
gnomAD v4.1: 3 of 1,208,378 alleles (0.00025%); highest among the groups gnomAD compares: Admixed American, 0.0044%; no homozygotes.

Submissions (2):

Labcorp Genetics (formerly Invitae), Labcorp
Classification: Uncertain significance for Creatine transporter deficiency. Last evaluated: 2026-01-05. Review status: criteria provided, single submitter. Criteria: Invitae Variant Classification Sherloc (09022015). Collection method: clinical testing. Allele origin: germline.
Comment: This sequence change replaces tyrosine, which is neutral and polar, with serine, which is neutral and polar, at codon 437 of the SLC6A8 protein (p.Tyr437Ser). This variant is present in population databases (no rsID available, gnomAD 0.007%). This variant has not been reported in the literature in individuals affected with SLC6A8-related conditions. ClinVar contains an entry for this variant (Variation ID: 1019208). Invitae Evidence Modeling of protein sequence and biophysical properties (such as structural, functional, and spatial information, amino acid conservation, physicochemical variation, residue mobility, and thermodynamic stability) indicates that this missense variant is not expected to disrupt SLC6A8 protein function with a negative predictive value of 95%. In summary, the available evidence is currently insufficient to determine the role of this variant in disease. Therefore, it has been classified as a Variant of Uncertain Significance.

Natera, Inc.
Classification: Uncertain significance for Creatine deficiency syndrome 1. Last evaluated: 2020-07-23. Review status: no assertion criteria provided. Collection method: clinical testing. Allele origin: germline. Not counted in ClinVar's aggregate classification.